The following is an entry in ClinVar:

ClinVar aggregate classification (germline): Likely pathogenic (1 of 4 stars; one submission).

Submission:

GeneDx
Classification: Likely pathogenic. Last evaluated: 2017-10-03. Review status: criteria provided, single submitter. Criteria: GeneDx Variant Classification (06012015). Collection method: clinical testing. Allele origin: germline. Affected: yes.
Comment: The F629L variant in the FAM111B gene has not been reported previously as a pathogenic variant, nor as a benign variant, to our knowledge. The F629L variant is not observed in large population cohorts (Lek et al., 2016). The F629L variant is a conservative amino acid substitution, which occurs at a position that is conserved across species. In silico analysis is inconsistent in its predictions as to whether or not the variant is damaging to the protein structure/function. Missense variants in nearby residues (T625N, R627G, S628N) have been reported in the Human Gene Mutation Database in association with POIKTMP (Stenson et al., 2014), supporting the functional importance of this region of the protein. We interpret F629L as a likely pathogenic variant.

NM_198947.4(FAM111B):c.1887C>A (p.Phe629Leu)

Gene: FAM111B (FAM111 trypsin like peptidase B; plus strand). Cytogenetic location: 11q12.1.
Variant type: single nucleotide variant.
Coding change: c.1887C>A on transcript NM_198947.4 (MANE Select); coding-DNA position 1887, C replaced by A.
Protein change: p.Phe629Leu; replaces phenylalanine 629 with leucine.
Molecular consequence: missense variant.
Genome position (GRCh38, 1-based): chr11:59,125,984, C>A. VCF-style: chr11-59125984-C-A. GRCh37 (hg19) VCF-style: chr11-58893457-C-A.
Other names: c.1797C>A, p.Phe599Leu (NM_001142703.2, NM_001142704.2); short protein forms F629L, F599L.
Identifiers: ClinVar variation 452429 (VCV000452429.2), dbSNP rs1555014282, ClinGen allele CA380762801.
Genomic context (GRCh38, chr11:59,125,984, plus strand): 5'-GTTGGTAGATCTCTATGATACCACCAGTAATGTATACTGTATGTTTACCCAAAGAAGTTT[C>A]CTATCAGAGGTTTGGAACACACACACGCTTAGTTATGATACTTGTTTCTCTGATGGGTCC-3'
Protein context (NP_945185.1, residues 619-639): NVYCMFTQRS[Phe629Leu]LSEVWNTHTL